The following is an entry in ClinVar:

NM_018896.5(CACNA1G):c.4769G>A (p.Cys1590Tyr)

Gene: CACNA1G (calcium voltage-gated channel subunit alpha1 G; plus strand). Cytogenetic location: 17q21.33.
Variant type: single nucleotide variant.
Coding change: c.4769G>A on transcript NM_018896.5 (MANE Select); coding-DNA position 4769, G replaced by A.
Protein change: p.Cys1590Tyr; replaces cysteine 1590 with tyrosine.
Molecular consequence: missense variant. On other transcripts: non-coding transcript variant (5).
Genome position (GRCh38, 1-based): chr17:50,615,370, G>A. VCF-style: chr17-50615370-G-A. GRCh37 (hg19) VCF-style: chr17-48692731-G-A.
Other names: c.4715G>A, p.Cys1572Tyr (NM_001256324.2, NM_001256328.2, NM_198386.3); c.4790G>A, p.Cys1597Tyr (NM_001256325.2); c.4634G>A, p.Cys1545Tyr (NM_001256326.2, NM_001256330.2); c.4769G>A, p.Cys1590Tyr (NM_001256327.2, NM_001256333.2, NM_198384.3 and 1 more transcripts); c.4667G>A, p.Cys1556Tyr (NM_001256329.2, NM_198376.3, NM_198379.3 and 2 more transcripts); c.4613G>A, p.Cys1538Tyr (NM_001256331.2); c.4598G>A, p.Cys1533Tyr (NM_001256332.2); c.4736G>A, p.Cys1579Tyr (NM_001256334.2, NM_198377.3, NM_198378.3 and 1 more transcripts); and 5 more; short protein forms C1533Y, C1538Y, C1545Y, C1549Y, C1552Y, C1554Y, C1556Y, C1563Y.
Identifiers: ClinVar variation 3629966 (VCV003629966.1).
Genomic context (GRCh38, chr17:50,615,370, plus strand): 5'-GCGGGGGGCAGGGGCCTGACGCTTGCTCTGCTCTTCCCCCTGCCCCATCAGAAGCCCAGT[G>A]CAAACCTTACTACTCCGACTACTCCCGCTTCCGGCTCCTCGTCCACCACTTGTGCACCAG-3'
Protein context (NP_061496.2, residues 1580-1600): SSASAASEAQ[Cys1590Tyr]KPYYSDYSRF

ClinVar aggregate classification (germline): Uncertain significance (1 of 4 stars; one submission).

Submission:

Women's Health and Genetics/Laboratory Corporation of America, LabCorp
Classification: Uncertain significance. Last evaluated: 2024-11-20. Review status: criteria provided, single submitter. Criteria: LabCorp Variant Classification Summary - May 2015. Collection method: clinical testing. Allele origin: germline.
Comment: Variant summary: CACNA1G c.4769G>A (p.Cys1590Tyr) results in a non-conservative amino acid change in the encoded protein sequence. Three of five in-silico tools predict a damaging effect of the variant on protein function. The variant allele was found at a frequency of 2e-05 in 245004 control chromosomes (gnomAD). The available data on variant occurrences in the general population are insufficient to allow any conclusion about variant significance. To our knowledge, no occurrence of c.4769G>A in individuals affected with Spinocerebellar Ataxia Type 42 and no experimental evidence demonstrating its impact on protein function have been reported. No submitters have cited clinical-significance assessments for this variant to ClinVar. Based on the evidence outlined above, the variant was classified as uncertain significance.